The following is an entry in ClinVar:

NM_144643.4(SCLT1):c.1597A>T (p.Ile533Phe)

Gene: SCLT1 (sodium channel and clathrin linker 1; minus strand). Cytogenetic location: 4q28.2.
Variant type: single nucleotide variant.
Coding change: c.1597A>T on transcript NM_144643.4 (MANE Select); coding-DNA position 1597, A replaced by T.
Protein change: p.Ile533Phe; replaces isoleucine 533 with phenylalanine.
Molecular consequence: missense variant.
Genome position (GRCh38, 1-based): chr4:128,943,031, T>A on the plus strand (A>T on the coding strand, the complement: SCLT1 is on the minus strand). VCF-style: chr4-128943031-T-A. GRCh37 (hg19) VCF-style: chr4-129864186-T-A.
Other names: short protein forms I533F.
Identifiers: ClinVar variation 1497775 (VCV001497775.6), dbSNP rs144166835, ClinGen allele CA3079580.
Genomic context (GRCh38, chr4:128,943,031, plus strand): 5'-CATTTAACTCTAGTCTTGAAAATACCTTTACTTTGGCTTTTTTTTGAGCCTCCAGGGCAA[T>A]CTTCCTTAAACTCTCAGTCTCTTTCCGTAACTGTTTATTTTCTTGCTGAAGTTTTAGCCT-3'
Protein context (NP_653244.2, residues 523-543): LRKETESLRK[Ile533Phe]ALEAQKKAKV

ClinVar aggregate classification (germline): Uncertain significance (1 of 4 stars; one submission).

gnomAD v4.1: 23 of 1,612,016 alleles (0.0014%); highest among the groups gnomAD compares: Non-Finnish European, 0.0017%; no homozygotes.

Submission:

Labcorp Genetics (formerly Invitae), Labcorp
Classification: Uncertain significance. Last evaluated: 2021-10-20. Review status: criteria provided, single submitter. Criteria: Invitae Variant Classification Sherloc (09022015). Collection method: clinical testing. Allele origin: germline.
Comment: In summary, the available evidence is currently insufficient to determine the role of this variant in disease. Therefore, it has been classified as a Variant of Uncertain Significance. Algorithms developed to predict the effect of missense changes on protein structure and function (SIFT, PolyPhen-2, Align-GVGD) all suggest that this variant is likely to be tolerated. This variant has not been reported in the literature in individuals affected with SCLT1-related conditions. This variant is present in population databases (rs144166835, ExAC 0.002%). This sequence change replaces isoleucine with phenylalanine at codon 533 of the SCLT1 protein (p.Ile533Phe). The isoleucine residue is weakly conserved and there is a small physicochemical difference between isoleucine and phenylalanine.